The following is an entry in ClinVar:

NM_001134363.3(RBM20):c.1805C>A (p.Pro602His)

Gene: RBM20 (RNA binding motif protein 20; plus strand). Cytogenetic location: 10q25.2.
Variant type: single nucleotide variant.
Coding change: c.1805C>A on transcript NM_001134363.3 (MANE Select); coding-DNA position 1805, C replaced by A.
Protein change: p.Pro602His; replaces proline 602 with histidine.
Molecular consequence: missense variant.
Genome position (GRCh38, 1-based): chr10:110,810,387, C>A. VCF-style: chr10-110810387-C-A. GRCh37 (hg19) VCF-style: chr10-112570145-C-A.
Other names: short protein forms P602H.
Identifiers: ClinVar variation 2849032 (VCV002849032.3), dbSNP rs1257683515, ClinGen allele CA378368955.

ClinVar aggregate classification (germline): Uncertain significance (1 of 4 stars; one submission).

Conditions:
Dilated cardiomyopathy 1DD (CMD1DD). Identifiers: Orphanet 154, MedGen C2750995, MONDO:0013168, OMIM 613172.

Allele frequency attached by ClinVar (database versions not stated): TOPMed below 0.00001; gnomAD 0.00001.
gnomAD v4.1: 1 of 1,551,172 alleles (0.000064%); highest among the groups gnomAD compares: African/African-American, 0.0014%; no homozygotes.

Submission:

Labcorp Genetics (formerly Invitae), Labcorp
Classification: Uncertain significance for Dilated cardiomyopathy 1DD. Last evaluated: 2023-03-24. Review status: criteria provided, single submitter. Criteria: Invitae Variant Classification Sherloc (09022015). Collection method: clinical testing. Allele origin: germline.
Comment: In summary, the available evidence is currently insufficient to determine the role of this variant in disease. Therefore, it has been classified as a Variant of Uncertain Significance. This sequence change replaces proline, which is neutral and non-polar, with histidine, which is basic and polar, at codon 602 of the RBM20 protein (p.Pro602His). This variant is not present in population databases (gnomAD no frequency). This variant has not been reported in the literature in individuals affected with RBM20-related conditions. Advanced modeling of protein sequence and biophysical properties (such as structural, functional, and spatial information, amino acid conservation, physicochemical variation, residue mobility, and thermodynamic stability) has been performed at Invitae for this missense variant, however the output from this modeling did not meet the statistical confidence thresholds required to predict the impact of this variant on RBM20 protein function.